The following is an entry in ClinVar:

ClinVar aggregate classification (germline): Uncertain significance. Review status: criteria provided, multiple submitters, no conflicts (2 of 4 stars). 2 submissions from 2 submitters: Uncertain significance (2). Last evaluated 2024-08-19.

Conditions:
Mitochondrial hypertrophic cardiomyopathy with lactic acidosis due to MTO1 deficiency. Also called: CARDIOMYOPATHY, INFANTILE HYPERTROPHIC MITOCHONDRIAL, AND LACTIC ACIDOSIS; Combined oxidative phosphorylation deficiency 10. Identifiers: Orphanet 314637, MedGen C4749921, MONDO:0013865, OMIM 614702.

Allele frequency attached by ClinVar (database versions not stated): ExAC 0.00001; gnomAD exomes 0.00001; gnomAD 0.00002; TOPMed 0.00004; ESP Exome Variant Server 0.00008.
gnomAD v4.1: 48 of 1,603,302 alleles (0.003%); highest among the groups gnomAD compares: African/African-American, 0.0067%; no homozygotes.

Submissions (2):

Labcorp Genetics (formerly Invitae), Labcorp
Classification: Uncertain significance for Mitochondrial hypertrophic cardiomyopathy with lactic acidosis due to MTO1 deficiency. Last evaluated: 2024-08-19. Review status: criteria provided, single submitter. Criteria: Invitae Variant Classification Sherloc (09022015). Collection method: clinical testing. Allele origin: germline.
Comment: This sequence change affects codon 639 of the MTO1 mRNA. It is a 'silent' change, meaning that it does not change the encoded amino acid sequence of the MTO1 protein. This variant also falls at the last nucleotide of exon 11, which is part of the consensus splice site for this exon. This variant is present in population databases (rs142253409, gnomAD 0.007%). This variant has not been reported in the literature in individuals affected with MTO1-related conditions. ClinVar contains an entry for this variant (Variation ID: 1382255). Variants that disrupt the consensus splice site are a relatively common cause of aberrant splicing (PMID: 17576681, 9536098). Algorithms developed to predict the effect of sequence changes on RNA splicing suggest that this variant may disrupt the consensus splice site. In summary, the available evidence is currently insufficient to determine the role of this variant in disease. Therefore, it has been classified as a Variant of Uncertain Significance.

GeneDx
Classification: Uncertain significance. Last evaluated: 2022-04-04. Review status: criteria provided, single submitter. Criteria: GeneDx Variant Classification Process June 2021. Collection method: clinical testing. Allele origin: germline. Affected: yes.
Comment: Not observed at significant frequency in large population cohorts (gnomAD); In silico analysis suggests this variant may impact gene splicing. In the absence of RNA/functional studies, the actual effect of this sequence change is unknown.; Has not been previously published as pathogenic or benign to our knowledge

Literature cited by the submitters: PubMed 17576681 (cited by Labcorp Genetics (formerly Invitae), Labcorp); PubMed 9536098 (cited by Labcorp Genetics (formerly Invitae), Labcorp).

NM_012123.4(MTO1):c.1917G>A (p.Thr639=)

Gene: MTO1 (mitochondrial tRNA translation optimization 1; plus strand). Cytogenetic location: 6q13.
Variant type: single nucleotide variant.
Coding change: c.1917G>A on transcript NM_012123.4 (MANE Select); coding-DNA position 1917, G replaced by A.
Protein change: p.Thr639=; no amino-acid change (threonine 639 retained).
Molecular consequence: synonymous variant.
Genome position (GRCh38, 1-based): chr6:73,497,896, G>A. VCF-style: chr6-73497896-G-A. GRCh37 (hg19) VCF-style: chr6-74207619-G-A.
Other names: c.2037G>A, p.Thr679= (NM_001123226.2); c.1992G>A, p.Thr664= (NM_133645.3).
Identifiers: ClinVar variation 1382255 (VCV001382255.5), dbSNP rs142253409, ClinGen allele CA3889778.